The following is an entry in ClinVar:

NM_031407.7(HUWE1):c.4327A>G (p.Met1443Val)

Gene: HUWE1 (HECT, UBA and WWE domain containing E3 ubiquitin protein ligase 1; minus strand). Cytogenetic location: Xp11.22.
Variant type: single nucleotide variant.
Coding change: c.4327A>G on transcript NM_031407.7 (MANE Select); coding-DNA position 4327, A replaced by G.
Protein change: p.Met1443Val; replaces methionine 1443 with valine.
Molecular consequence: missense variant.
Genome position (GRCh38, 1-based): chrX:53,589,681, T>C on the plus strand (A>G on the coding strand, the complement: HUWE1 is on the minus strand). VCF-style: chrX-53589681-T-C. GRCh37 (hg19) VCF-style: chrX-53616641-T-C.
Other names: short protein forms M1443V.
Identifiers: ClinVar variation 1720525 (VCV001720525.5), dbSNP rs782689857, ClinGen allele CA10422420.

ClinVar aggregate classification (germline): Uncertain significance (1 of 4 stars; one submission).

Allele frequency attached by ClinVar (database versions not stated): gnomAD exomes 0.00001; ExAC 0.00002.

Submission:

Labcorp Genetics (formerly Invitae), Labcorp
Classification: Uncertain significance. Last evaluated: 2024-10-24. Review status: criteria provided, single submitter. Criteria: Invitae Variant Classification Sherloc (09022015). Collection method: clinical testing. Allele origin: germline.
Comment: This sequence change replaces methionine, which is neutral and non-polar, with valine, which is neutral and non-polar, at codon 1443 of the HUWE1 protein (p.Met1443Val). This variant is present in population databases (rs782689857, gnomAD 0.01%), including at least one homozygous and/or hemizygous individual. This variant has not been reported in the literature in individuals affected with HUWE1-related conditions. ClinVar contains an entry for this variant (Variation ID: 1720525). Invitae Evidence Modeling of protein sequence and biophysical properties (such as structural, functional, and spatial information, amino acid conservation, physicochemical variation, residue mobility, and thermodynamic stability) has been performed for this missense variant. However, the output from this modeling did not meet the statistical confidence thresholds required to predict the impact of this variant on HUWE1 protein function. In summary, the available evidence is currently insufficient to determine the role of this variant in disease. Therefore, it has been classified as a Variant of Uncertain Significance.